The following is an entry in ClinVar:

NM_181486.4(TBX5):c.154G>T (p.Glu52Ter)

Gene: TBX5 (T-box transcription factor 5; minus strand). Cytogenetic location: 12q24.21.
Variant type: single nucleotide variant.
Coding change: c.154G>T on transcript NM_181486.4 (MANE Select); coding-DNA position 154, G replaced by T.
Protein change: p.Glu52Ter; replaces glutamic acid 52 with a stop codon.
Molecular consequence: nonsense.
Genome position (GRCh38, 1-based): chr12:114,401,914, C>A on the plus strand (G>T on the coding strand, the complement: TBX5 is on the minus strand). VCF-style: chr12-114401914-C-A. GRCh37 (hg19) VCF-style: chr12-114839719-C-A.
Other names: c.4G>T, p.Glu2Ter (NM_080717.4); c.154G>T, p.Glu52Ter (NM_000192.3); short protein forms E2*, E52*.
Identifiers: ClinVar variation 835086 (VCV000835086.7), dbSNP rs1208004863, ClinGen allele CA386863317.

ClinVar aggregate classification (germline): Pathogenic (1 of 4 stars; one submission).

Conditions:
Aortic valve disease 2 (AOVD2). Identifiers: MedGen C3542024, MONDO:0013902, OMIM 614823.

Submission:

Labcorp Genetics (formerly Invitae), Labcorp
Classification: Pathogenic for Aortic valve disease 2. Last evaluated: 2019-04-08. Review status: criteria provided, single submitter. Criteria: Invitae Variant Classification Sherloc (09022015). Collection method: clinical testing. Allele origin: germline.
Comment: For these reasons, this variant has been classified as Pathogenic. Loss-of-function variants in TBX5 are known to be pathogenic (PMID: 16183809, 16917909). This variant has not been reported in the literature in individuals with TBX5-related conditions. This variant is not present in population databases (ExAC no frequency). This sequence change creates a premature translational stop signal (p.Glu52*) in the TBX5 gene. It is expected to result in an absent or disrupted protein product.

Literature cited by the submitters: PubMed 16183809; PubMed 16917909.